The following is an entry in ClinVar:

NM_207111.4(RNF216):c.437C>G (p.Thr146Ser)

Gene: RNF216 (ring finger protein 216; minus strand). Cytogenetic location: 7p22.1.
Variant type: single nucleotide variant.
Coding change: c.437C>G on transcript NM_207111.4 (MANE Select); coding-DNA position 437, C replaced by G.
Protein change: p.Thr146Ser; replaces threonine 146 with serine.
Molecular consequence: missense variant.
Genome position (GRCh38, 1-based): chr7:5,741,580, G>C on the plus strand (C>G on the coding strand, the complement: RNF216 is on the minus strand). VCF-style: chr7-5741580-G-C. GRCh37 (hg19) VCF-style: chr7-5781211-G-C.
Other names: c.266C>G, p.Thr89Ser (NM_001377156.1, NM_207116.3); short protein forms T89S, T146S.
Identifiers: ClinVar variation 1512860 (VCV001512860.6), dbSNP rs1794761218, ClinGen allele CA366736526.
Genomic context (GRCh38, chr7:5,741,580, plus strand): 5'-GCTGCTTGGTTATGACTCGGTCCAGGCTTGGGTTCTCTTTCTGTTTGGCCACTTGGCTTA[G>C]TGAATTCAGAGATTCCAGGAGGCCCAAGATCCAGAAATTCACCGTAGTCATCCTCAGAAT-3'
Protein context (NP_996994.1, residues 136-156): DLGPPGISEF[Thr146Ser]KPSGQTEREP

ClinVar aggregate classification (germline): Uncertain significance (1 of 4 stars; one submission).

Submission:

Labcorp Genetics (formerly Invitae), Labcorp
Classification: Uncertain significance. Last evaluated: 2022-06-13. Review status: criteria provided, single submitter. Criteria: Invitae Variant Classification Sherloc (09022015). Collection method: clinical testing. Allele origin: germline.
Comment: In summary, the available evidence is currently insufficient to determine the role of this variant in disease. Therefore, it has been classified as a Variant of Uncertain Significance. Algorithms developed to predict the effect of sequence changes on RNA splicing suggest that this variant may create or strengthen a splice site. Algorithms developed to predict the effect of missense changes on protein structure and function output the following: SIFT: "Tolerated"; PolyPhen-2: "Benign"; Align-GVGD: "Class C0". The serine amino acid residue is found in multiple mammalian species, which suggests that this missense change does not adversely affect protein function. This variant has not been reported in the literature in individuals affected with RNF216-related conditions. This variant is not present in population databases (gnomAD no frequency). This sequence change replaces threonine, which is neutral and polar, with serine, which is neutral and polar, at codon 146 of the RNF216 protein (p.Thr146Ser).